The following is an entry in ClinVar:

ClinVar aggregate classification (germline): Likely pathogenic (1 of 4 stars; one submission).

Conditions:
Junctional epidermolysis bullosa gravis of Herlitz. Also called: Herlitz-type junctional epidermolysis bullosa; EPIDERMOLYSIS BULLOSA, JUNCTIONAL 1B, SEVERE; EPIDERMOLYSIS BULLOSA JUNCTIONALIS, HERLITZ TYPE; EPIDERMOLYSIS BULLOSA, JUNCTIONAL, HERLITZ-PEARSON TYPE; JEB-HERLITZ TYPE; Epidermolysis Bullosa Letalis. Identifiers: Orphanet 79404, MedGen C0079683, MONDO:0009182, OMIM 226700.

Submission:

Myriad Genetics, Inc.
Classification: Likely pathogenic for Junctional epidermolysis bullosa gravis of Herlitz. Last evaluated: 2021-12-28. Review status: criteria provided, single submitter. Criteria: Myriad Women's Health Autosomal Recessive and X-Linked Classification Criteria (2021). Collection method: clinical testing. Allele origin: unknown.
Comment: NM_005562.2(LAMC2):c.2755A>T(K919*) is expected to be pathogenic in the context of junctional epidermolysis bullosa, LAMC2-related. This variant is predicted to lead to an abnormal or absent protein product due to the creation of a premature termination codon in LAMC2, a gene where loss-of-function variants are known to be pathogenic. Please note: this variant was assessed in the context of healthy population screening.

NM_005562.3(LAMC2):c.2755A>T (p.Lys919Ter)

Gene: LAMC2 (laminin subunit gamma 2; plus strand). Cytogenetic location: 1q25.3.
Variant type: single nucleotide variant.
Coding change: c.2755A>T on transcript NM_005562.3 (MANE Select); coding-DNA position 2755, A replaced by T.
Protein change: p.Lys919Ter; replaces lysine 919 with a stop codon.
Molecular consequence: nonsense.
Genome position (GRCh38, 1-based): chr1:183,238,307, A>T. VCF-style: chr1-183238307-A-T. GRCh37 (hg19) VCF-style: chr1-183207442-A-T.
Other names: c.2755A>T, p.Lys919Ter (NM_018891.3); short protein forms K919*.
Identifiers: ClinVar variation 1726622 (VCV001726622.2), dbSNP rs2526121770, ClinGen allele CA343699025.